The following is an entry in ClinVar:

ClinVar aggregate classification (germline): Uncertain significance. Review status: criteria provided, multiple submitters, no conflicts (2 of 4 stars). 3 submissions from 3 submitters: Uncertain significance (3). Last evaluated 2025-10-02.

Conditions:
Hereditary cancer-predisposing syndrome. Also called: Neoplastic Syndromes, Hereditary; Tumor predisposition; Hereditary Cancer Syndrome; Hereditary neoplastic syndrome. Identifiers: Orphanet 140162, MedGen C0027672, MeSH D009386, MONDO:0015356.
Microcephaly, normal intelligence and immunodeficiency (NBS). Also called: IMMUNODEFICIENCY, MICROCEPHALY, AND CHROMOSOMAL INSTABILITY; Nijmegen breakage syndrome; Microcephaly with normal intelligence immunodeficiency and lymphoreticular malignancies; Nonsyndromal microcephaly autosomal recessive with normal intelligence; Seemanova syndrome 2; Immunodeficiency, microcephaly with normal intelligence. Identifiers: Orphanet 647, MedGen C0398791, MONDO:0009623, OMIM 251260.

Allele frequency attached by ClinVar (database versions not stated): gnomAD 0.00001.
gnomAD v4.1: 1 of 1,587,920 alleles (0.000063%); highest among the groups gnomAD compares: African/African-American, 0.0013%; no homozygotes.

Submissions (3):

Myriad Genetics, Inc.
Classification: Uncertain significance for Microcephaly, normal intelligence and immunodeficiency. Last evaluated: 2025-10-02. Review status: criteria provided, single submitter. Criteria: Myriad Autosomal Dominant, Autosomal Recessive and X-Linked Classification Criteria (2023). Collection method: clinical testing. Allele origin: unknown.
Comment: NM_002485.4(NBN):c.500G>A(C167Y) is a missense variant classified as a variant of uncertain significance in the context of Nijmegen breakage syndrome. C167Y has not been observed in cases with relevant disease. Relevant functional assessments of this variant are not available in the literature. C167Y has not been observed in referenced population frequency databases. In summary, there is insufficient evidence to classify NM_002485.4(NBN):c.500G>A(C167Y) as pathogenic or benign. Please note: this variant was assessed in the context of healthy population screening.

Ambry Genetics
Classification: Uncertain significance for Hereditary cancer-predisposing syndrome. Last evaluated: 2023-11-14. Review status: criteria provided, single submitter. Criteria: Ambry Variant Classification Scheme 2023. Collection method: clinical testing. Allele origin: germline.
Comment: The p.C167Y variant (also known as c.500G>A), located in coding exon 5 of the NBN gene, results from a G to A substitution at nucleotide position 500. The cysteine at codon 167 is replaced by tyrosine, an amino acid with highly dissimilar properties. This amino acid position is highly conserved in available vertebrate species. In addition, this alteration is predicted to be deleterious by in silico analysis. Since supporting evidence is limited at this time, the clinical significance of this alteration remains unclear.

Labcorp Genetics (formerly Invitae), Labcorp
Classification: Uncertain significance for Microcephaly, normal intelligence and immunodeficiency. Last evaluated: 2019-03-12. Review status: criteria provided, single submitter. Criteria: Invitae Variant Classification Sherloc (09022015). Collection method: clinical testing. Allele origin: germline.
Comment: In summary, this variant is a novel missense change with uncertain impact on protein function. It has been classified as a Variant of Uncertain Significance. Algorithms developed to predict the effect of missense changes on protein structure and function do not agree on the potential impact of this missense change (SIFT: "Tolerated"; PolyPhen-2: "Probably Damaging"; Align-GVGD: "Class C0"). This variant is not present in population databases (ExAC no frequency) and has not been reported in the literature in individuals with a NBN-related disease. This sequence change replaces cysteine with tyrosine at codon 167 of the NBN protein (p.Cys167Tyr). The cysteine residue is highly conserved and there is a large physicochemical difference between cysteine and tyrosine.

NM_002485.5(NBN):c.500G>A (p.Cys167Tyr)

Gene: NBN (nibrin; minus strand). Cytogenetic location: 8q21.3.
Variant type: single nucleotide variant.
Coding change: c.500G>A on transcript NM_002485.5 (MANE Select); coding-DNA position 500, G replaced by A.
Protein change: p.Cys167Tyr; replaces cysteine 167 with tyrosine.
Molecular consequence: missense variant.
Genome position (GRCh38, 1-based): chr8:89,978,304, C>T on the plus strand (G>A on the coding strand, the complement: NBN is on the minus strand). VCF-style: chr8-89978304-C-T. GRCh37 (hg19) VCF-style: chr8-90990532-C-T.
Other names: c.254G>A, p.Cys85Tyr (NM_001024688.3); short protein forms C167Y, C85Y.
Identifiers: ClinVar variation 411752 (VCV000411752.12), dbSNP rs1060503464, ClinGen allele CA16612667.